The following is an entry in ClinVar:

NM_001040108.2(MLH3):c.148T>G (p.Phe50Val)

Gene: MLH3 (mutL homolog 3; minus strand). Cytogenetic location: 14q24.3.
Variant type: single nucleotide variant.
Coding change: c.148T>G on transcript NM_001040108.2 (MANE Select); coding-DNA position 148, T replaced by G.
Protein change: p.Phe50Val; replaces phenylalanine 50 with valine.
Molecular consequence: missense variant.
Genome position (GRCh38, 1-based): chr14:75,049,508, A>C on the plus strand (T>G on the coding strand, the complement: MLH3 is on the minus strand). VCF-style: chr14-75049508-A-C. GRCh37 (hg19) VCF-style: chr14-75516211-A-C.
Other names: c.148T>G, p.Phe50Val (NM_014381.3); short protein forms F50V.
Identifiers: ClinVar variation 1773758 (VCV001773758.2), dbSNP rs2503335831, ClinGen allele CA390451478.

ClinVar aggregate classification (germline): Uncertain significance (1 of 4 stars; one submission).

Submission:

Ambry Genetics
Classification: Uncertain significance. Last evaluated: 2022-05-26. Review status: criteria provided, single submitter. Criteria: Ambry Variant Classification Scheme 2023. Collection method: clinical testing. Allele origin: germline.
Comment: The p.F50V variant (also known as c.148T>G), located in coding exon 1 of the MLH3 gene, results from a T to G substitution at nucleotide position 148. The phenylalanine at codon 50 is replaced by valine, an amino acid with highly similar properties. This amino acid position is conserved. In addition, the in silico prediction for this alteration is inconclusive. Since supporting evidence is limited at this time, the clinical significance of this alteration remains unclear.